The following is an entry in ClinVar:

ClinVar aggregate classification (germline): Benign (1 of 4 stars; one submission).

Submission:

CeGaT Center for Human Genetics Tuebingen
Classification: Benign. Last evaluated: 2025-03-01. Review status: criteria provided, single submitter. Criteria: CeGaT Center For Human Genetics Tuebingen Variant Classification Criteria Version 2. Collection method: clinical testing. Allele origin: germline. Affected: yes. Observed: 4 variant alleles.
Comment: MDC1: BS1, BS2

NM_014641.3(MDC1):c.619_642del (p.Gly207_Phe214del)

Gene: MDC1 (mediator of DNA damage checkpoint 1; minus strand). Cytogenetic location: 6p21.33.
Variant type: Deletion.
Coding change: c.619_642del on transcript NM_014641.3 (MANE Select); coding-DNA positions 619 to 642, 24 bases deleted (GGCCTTGGGCCGCCTTTTGCCTTC).
Protein change: p.Gly207_Phe214del.
Molecular consequence: inframe deletion.
Genome position (GRCh38, 1-based): chr6:30,713,300-30,713,323, GAAGGCAAAAGGCGGCCCAAGGCC deleted on the plus strand (GGCCTTGGGCCGCCTTTTGCCTTC on the coding strand, the reverse complement: MDC1 is on the minus strand); deleting any 24 consecutive bases within chr6:30,713,300-30,713,324 gives the same sequence; the c. name uses the placement nearest the transcript's 3' end. VCF-style (leftmost placement, unchanged base first): chr6-30713299-TGAAGGCAAAAGGCGGCCCAAGGCC-T. GRCh37 (hg19) VCF-style: chr6-30681076-TGAAGGCAAAAGGCGGCCCAAGGCC-T.
Identifiers: ClinVar variation 2656343 (VCV002656343.24), dbSNP rs1228074339, ClinGen allele CA363136762.